The following is an entry in ClinVar:

ClinVar aggregate classification (germline): Pathogenic (1 of 4 stars; one submission).

Conditions:
Hereditary spastic paraplegia 11. Also called: Nakamura Osame syndrome; Autosomal recessive hereditary spastic paraplegia, mental impairment, and thin corpus callosum; SPASTIC PARAPLEGIA, AUTOSOMAL RECESSIVE, COMPLICATED, WITH THIN CORPUS CALLOSUM; SPASTIC PARAPLEGIA, AUTOSOMAL RECESSIVE, WITH MENTAL IMPAIRMENT AND THIN CORPUS CALLOSUM; Spastic Paraplegia 11; Spastic paraplegia, mental retardation and thin corpus callosum. Identifiers: Orphanet 2822, MedGen C1858479, MONDO:0011445, OMIM 604360.

Submission:

Labcorp Genetics (formerly Invitae), Labcorp
Classification: Pathogenic for Hereditary spastic paraplegia 11. Last evaluated: 2023-06-14. Review status: criteria provided, single submitter. Criteria: Invitae Variant Classification Sherloc (09022015). Collection method: clinical testing. Allele origin: germline.
Comment: This sequence change creates a premature translational stop signal (p.Phe708Serfs*17) in the SPG11 gene. It is expected to result in an absent or disrupted protein product. Loss-of-function variants in SPG11 are known to be pathogenic (PMID: 19105190, 20110243, 22154821, 26556829). This variant is not present in population databases (gnomAD no frequency). This variant has not been reported in the literature in individuals affected with SPG11-related conditions. For these reasons, this variant has been classified as Pathogenic.

Literature cited by the submitters: PubMed 19105190; PubMed 20110243; PubMed 22154821; PubMed 26556829.

NM_025137.4(SPG11):c.2123del (p.Phe708fs)

Gene: SPG11 (SPG11 vesicle trafficking associated, spatacsin; minus strand). Cytogenetic location: 15q21.1.
Variant type: Deletion.
Coding change: c.2123del on transcript NM_025137.4 (MANE Select); coding-DNA position 2123, one base deleted (T; older notation c.2123delT).
Protein change: p.Phe708fs; shifts the reading frame from phenylalanine 708.
Molecular consequence: frameshift variant.
Genome position (GRCh38, 1-based): chr15:44,626,452, A deleted on the plus strand (T on the coding strand, the reverse complement: SPG11 is on the minus strand); the first of 2 consecutive A bases (chr15:44,626,452-44,626,453); deleting either gives the same sequence. VCF-style (leftmost placement, unchanged base first): chr15-44626451-GA-G. GRCh37 (hg19) VCF-style: chr15-44918649-GA-G.
Other names: c.2123del, p.Phe708fs (NM_001160227.2, NM_001411132.1); short protein forms F708fs.
Identifiers: ClinVar variation 2713049 (VCV002713049.3), dbSNP rs2505582348, ClinGen allele CA2697554456.
Genomic context (GRCh38, chr15:44,626,451, plus strand): 5'-CAAATTTAGGCCTATGCCAATAAGCTCCTCAAGTTTTTGAGCAGAATGACTATCAATCCT[GA>G]AGAAAGTCTGTGCCTCTGGTATTTTGTTGTTTAAAATGGCGCTGGCAATAACTTCCTAGG-3'